The following is an entry in ClinVar:

ClinVar aggregate classification (germline): Uncertain significance. Review status: criteria provided, multiple submitters, no conflicts (2 of 4 stars). 2 submissions from 2 submitters: Uncertain significance (2). Last evaluated 2025-09-30.

Conditions:
C3 glomerulonephritis. Also called: C3 GLOMERULOPATHY 3; Nephropathy due to CFHR5 Deficiency. Identifiers: Orphanet 329931, MedGen C4055342, MONDO:0013892, OMIM 614809.

Allele frequency attached by ClinVar (database versions not stated): gnomAD 0.00002; TOPMed 0.00004; ESP Exome Variant Server 0.00008; ExAC 0.00020; gnomAD exomes 0.00003.
gnomAD v4.1: 49 of 1,612,528 alleles (0.003%); highest among the groups gnomAD compares: Non-Finnish European, 0.0041%; no homozygotes.

Submissions (2):

Genomenon, Inc
Classification: Uncertain significance for C3 glomerulonephritis. Last evaluated: 2025-09-30. Review status: criteria provided, single submitter. Criteria: Genomenon Sequence Variant Interpretation Standards. Collection method: curation. Allele origin: germline. Affected: yes.
Comment: C3 p.Gln1061His (c.3183A>T) is a missense variant that changes the amino acid at residue 1061 from Glutamine to Histidine. This variant has been observed in at least one proband affected with C3 glomerulonephritis (PMID:37744338). It is absent or not present at a significant frequency in gnomAD. In silico models agree that this variant is not damaging. In conclusion, we classify C3 p.Gln1061His (c.3183A>T) as a variant of unknown significance.

Labcorp Genetics (formerly Invitae), Labcorp
Classification: Uncertain significance. Last evaluated: 2024-02-01. Review status: criteria provided, single submitter. Criteria: Invitae Variant Classification Sherloc (09022015). Collection method: clinical testing. Allele origin: germline.
Comment: This sequence change replaces glutamine, which is neutral and polar, with histidine, which is basic and polar, at codon 1061 of the C3 protein (p.Gln1061His). This variant is present in population databases (rs373054812, gnomAD 0.02%). This variant has not been reported in the literature in individuals affected with C3-related conditions. ClinVar contains an entry for this variant (Variation ID: 2055591). Advanced modeling of protein sequence and biophysical properties (such as structural, functional, and spatial information, amino acid conservation, physicochemical variation, residue mobility, and thermodynamic stability) performed at Invitae indicates that this missense variant is not expected to disrupt C3 protein function with a negative predictive value of 80%. In summary, the available evidence is currently insufficient to determine the role of this variant in disease. Therefore, it has been classified as a Variant of Uncertain Significance.

Literature cited by the submitters: PubMed 37744338 (cited by Genomenon, Inc).

NM_000064.4(C3):c.3183A>T (p.Gln1061His)

Gene: C3 (complement C3; minus strand). Cytogenetic location: 19p13.3.
Variant type: single nucleotide variant.
Coding change: c.3183A>T on transcript NM_000064.4 (MANE Select); coding-DNA position 3183, A replaced by T.
Protein change: p.Gln1061His; replaces glutamine 1061 with histidine.
Molecular consequence: missense variant.
Genome position (GRCh38, 1-based): chr19:6,693,459, T>A on the plus strand (A>T on the coding strand, the complement: C3 is on the minus strand). VCF-style: chr19-6693459-T-A. GRCh37 (hg19) VCF-style: chr19-6693470-T-A.
Other names: short protein forms Q1061H.
Identifiers: ClinVar variation 2055591 (VCV002055591.5), dbSNP rs373054812, ClinGen allele CA9128826.